The following is an entry in ClinVar:

ClinVar aggregate classification (germline): Uncertain significance (1 of 4 stars; one submission).

Conditions:
Sotos syndrome (SOTOS). Also called: CEREBRAL GIGANTISM; Sotos' syndrome; Distinctive facial appearance, overgrowth in childhood, and learning disabilities or delayed development; CHROMOSOME 5q35 DELETION SYNDROME; SOTOS SYNDROME 1. Identifiers: Orphanet 821, MedGen C0175695, MONDO:0019349, OMIM 117550.

Submission:

MVZ Medizinische Genetik Mainz
Classification: Uncertain significance for Sotos syndrome. Last evaluated: 2025-09-01. Review status: criteria provided, single submitter. Criteria: UK Practice Guidelines For Variant Classification V4 01 2020. Collection method: clinical testing. Allele origin: germline. Inheritance: Autosomal dominant inheritance. Affected: yes. Observed: 1 variant allele.
Comment: ACMG Criteria: PVS1_STR,PM2_SUP

NM_022455.5(NSD1):c.7710del (p.Ser2571fs)

Gene: NSD1 (nuclear receptor binding SET domain protein 1; plus strand). Cytogenetic location: 5q35.3.
Variant type: Deletion.
Coding change: c.7710del on transcript NM_022455.5 (MANE Select); coding-DNA position 7710, one base deleted (T; older notation c.7710delT).
Protein change: p.Ser2571fs; shifts the reading frame from serine 2571.
Molecular consequence: frameshift variant.
Genome position (GRCh38, 1-based): chr5:177,295,078, T deleted; the last of 2 consecutive T bases (chr5:177,295,077-177,295,078); deleting either gives the same sequence. VCF-style (leftmost placement, unchanged base first): chr5-177295076-CT-C. GRCh37 (hg19) VCF-style: chr5-176722077-CT-C.
Other names: c.6837del, p.Ser2280fs (NM_001365684.2, NM_001409308.1, NM_172349.5); c.7710del, p.Ser2571fs (NM_001409301.1, NM_001409302.1, NM_001409303.1); c.7290del, p.Ser2431fs (NM_001409304.1); c.6957del, p.Ser2320fs (NM_001409305.1); c.6948del, p.Ser2317fs (NM_001409306.1, NM_001409307.1); c.6588del, p.Ser2197fs (NM_001409309.1); short protein forms S2197fs, S2280fs, S2317fs, S2320fs, S2431fs, S2571fs.
Identifiers: ClinVar variation 4277251 (VCV004277251.1).